The following is an entry in ClinVar:

ClinVar aggregate classification (germline): Uncertain significance (1 of 4 stars; one submission).

gnomAD v4.1: 1 of 1,614,184 alleles (0.000062%); no homozygotes.

Submission:

GeneDx
Classification: Uncertain significance. Last evaluated: 2026-02-18. Review status: criteria provided, single submitter. Criteria: GeneDx Variant Classification Process June 2021. Collection method: clinical testing. Allele origin: germline.
Comment: Not observed at significant frequency in large population cohorts (gnomAD); In silico analysis supports that this missense variant has a deleterious effect on protein structure/function; Has not been previously published as pathogenic or benign to our knowledge

NM_004544.4(NDUFA10):c.524A>T (p.Asn175Ile)

Gene: NDUFA10 (NADH:ubiquinone oxidoreductase subunit A10; minus strand). Cytogenetic location: 2q37.3.
Variant type: single nucleotide variant.
Coding change: c.524A>T on transcript NM_004544.4 (MANE Select); coding-DNA position 524, A replaced by T.
Protein change: p.Asn175Ile; replaces asparagine 175 with isoleucine.
Molecular consequence: missense variant. On other transcripts: non-coding transcript variant (4).
Genome position (GRCh38, 1-based): chr2:240,018,576, T>A on the plus strand (A>T on the coding strand, the complement: NDUFA10 is on the minus strand). VCF-style: chr2-240018576-T-A. GRCh37 (hg19) VCF-style: chr2-240957993-T-A.
Other names: c.524A>T, p.Asn175Ile (NM_001322019.2, NM_001322020.2, NM_001410987.1); short protein forms N175I.
Identifiers: ClinVar variation 4976419 (VCV004976419.1).
Genomic context (GRCh38, chr2:240,018,576, plus strand): 5'-CCACACACCCAGAAGTGGGTCTGCAATGCTGACTCACACTGCTTTCGGATGAATCCCTGG[T>A]TGTACATCGCCTCCAGGAACACAAAGTCACTGAAGATGGAGCGCTCCAACACAACACCTT-3'
Protein context (NP_004535.1, residues 165-185): SDFVFLEAMY[Asn175Ile]QGFIRKQCVD